The following is an entry in ClinVar:

ClinVar aggregate classification (germline): Uncertain significance (1 of 4 stars; one submission).

Conditions:
Familial cancer of breast. Also called: Hereditary breast cancer; BREAST CANCER, FAMILIAL; hereditary breast carcinoma. Identifiers: Orphanet 227535, MedGen C0346153, MONDO:0016419, OMIM 114480. Disease mechanism: loss of function.

Submission:

Labcorp Genetics (formerly Invitae), Labcorp
Classification: Uncertain significance for Familial cancer of breast. Last evaluated: 2024-12-12. Review status: criteria provided, single submitter. Criteria: Invitae Variant Classification Sherloc (09022015). Collection method: clinical testing. Allele origin: germline.
Comment: This sequence change replaces proline, which is neutral and non-polar, with threonine, which is neutral and polar, at codon 388 of the CHEK2 protein (p.Pro388Thr). This variant is not present in population databases (gnomAD no frequency). This variant has not been reported in the literature in individuals affected with CHEK2-related conditions. An algorithm developed to predict the effect of missense changes on protein structure and function (PolyPhen-2) suggests that this variant is likely to be disruptive. In summary, the available evidence is currently insufficient to determine the role of this variant in disease. Therefore, it has been classified as a Variant of Uncertain Significance.

NM_007194.4(CHEK2):c.1162C>A (p.Pro388Thr)

Gene: CHEK2 (checkpoint kinase 2; minus strand). Cytogenetic location: 22q12.1.
Variant type: single nucleotide variant.
Coding change: c.1162C>A on transcript NM_007194.4 (MANE Select); coding-DNA position 1162, C replaced by A.
Protein change: p.Pro388Thr; replaces proline 388 with threonine.
Molecular consequence: missense variant.
Genome position (GRCh38, 1-based): chr22:28,695,807, G>T on the plus strand (C>A on the coding strand, the complement: CHEK2 is on the minus strand). VCF-style: chr22-28695807-G-T. GRCh37 (hg19) VCF-style: chr22-29091795-G-T.
Other names: c.1291C>A, p.Pro431Thr (NM_001005735.3); c.499C>A, p.Pro167Thr (NM_001257387.3); c.961C>A, p.Pro321Thr (NM_001349956.3); c.1075C>A, p.Pro359Thr (NM_145862.3); short protein forms P388T, P167T, P431T, P321T, P359T.
Identifiers: ClinVar variation 3727144 (VCV003727144.2).